The following is an entry in ClinVar:

NM_000321.3(RB1):c.1967G>A (p.Arg656Gln)

Gene: RB1 (RB transcriptional corepressor 1; plus strand). Cytogenetic location: 13q14.2.
Variant type: single nucleotide variant.
Coding change: c.1967G>A on transcript NM_000321.3 (MANE Select); coding-DNA position 1967, G replaced by A.
Protein change: p.Arg656Gln; replaces arginine 656 with glutamine.
Molecular consequence: missense variant.
Genome position (GRCh38, 1-based): chr13:48,459,694, G>A. VCF-style: chr13-48459694-G-A. GRCh37 (hg19) VCF-style: chr13-49033830-G-A.
Other names: short protein forms R656Q.
Identifiers: ClinVar variation 416497 (VCV000416497.40), dbSNP rs202031219, ClinGen allele CA033414.

ClinVar aggregate classification (germline): Benign/Likely benign. Review status: criteria provided, multiple submitters, no conflicts (2 of 4 stars). 8 submissions from 8 submitters: Benign (1); Likely benign (7). Last evaluated 2026-06-22.

Conditions:
Hereditary cancer-predisposing syndrome. Also called: Tumor predisposition; Hereditary neoplastic syndrome; Hereditary Cancer Syndrome; Neoplastic Syndromes, Hereditary. Identifiers: Orphanet 140162, MedGen C0027672, MeSH D009386, MONDO:0015356.
Retinoblastoma (RB1). Also called: RETINOBLASTOMA, SOMATIC. Identifiers: Orphanet 790, MedGen C0035335, MeSH D012175, MONDO:0008380, OMIM 180200, HP:0009919. Disease mechanism: loss of function. Inheritance: Both sporadic and heritable forms are tested..

Allele frequency attached by ClinVar (database versions not stated): gnomAD exomes 0.00006 and 0.00011; TOPMed 0.00006; gnomAD 0.00007; ESP Exome Variant Server 0.00008; ExAC 0.00009.

Submissions (8):

Myriad Genetics, Inc.
Classification: Likely benign for Retinoblastoma. Last evaluated: 2026-06-22. Review status: criteria provided, single submitter. Criteria: Myriad Autosomal Dominant, Autosomal Recessive and X-Linked Classification Criteria (2023). Collection method: clinical testing. Allele origin: unknown.
Comment: This variant is considered likely benign. This variant has been observed at a population frequency that is significantly greater than expected given the associated disease prevalence and penetrance.

Labcorp Genetics (formerly Invitae), Labcorp
Classification: Benign for Retinoblastoma. Last evaluated: 2026-01-10. Review status: criteria provided, single submitter. Criteria: Invitae Variant Classification Sherloc (09022015). Collection method: clinical testing. Allele origin: germline.

CeGaT Center for Human Genetics Tuebingen
Classification: Likely benign. Last evaluated: 2025-12-01. Review status: criteria provided, single submitter. Criteria: CeGaT Center For Human Genetics Tuebingen Variant Classification Criteria Version 2. Collection method: clinical testing. Allele origin: germline. Affected: yes. Observed: 2 variant alleles.
Comment: RB1: BS1

Blueprint Genetics
Classification: Likely benign. Last evaluated: 2024-11-27. Review status: criteria provided, single submitter. Criteria: ACMG Guidelines, 2015. Collection method: clinical testing. Allele origin: germline.

Color Diagnostics, LLC DBA Color Health
Classification: Likely benign for Retinoblastoma. Last evaluated: 2022-05-02. Review status: criteria provided, single submitter. Criteria: ACMG Guidelines, 2015. Collection method: clinical testing. Allele origin: germline.

Sema4
Classification: Likely benign for Hereditary cancer-predisposing syndrome. Last evaluated: 2021-12-18. Review status: criteria provided, single submitter. Criteria: Sema4 Curation Guidelines. Collection method: curation. Allele origin: germline.

Ambry Genetics
Classification: Likely benign for Hereditary cancer-predisposing syndrome. Last evaluated: 2020-05-20. Review status: criteria provided, single submitter. Criteria: Ambry Variant Classification Scheme 2023. Collection method: clinical testing. Allele origin: germline.

Illumina Laboratory Services, Illumina
Classification: Likely benign for Retinoblastoma. Last evaluated: 2017-04-27. Review status: criteria provided, single submitter. Criteria: ICSL Variant Classification Criteria 13 December 2019. Collection method: clinical testing. Allele origin: germline.
Comment: This variant was observed as part of a predisposition screen in an ostensibly healthy population. A literature search was performed for the gene, cDNA change, and amino acid change (where applicable). Publications were found based on this search. The evidence from the literature, in combination with allele frequency data from public databases where available, was sufficient to determine this variant is unlikely to cause disease. Therefore, this variant is classified as likely benign.

Literature cited by the submitters: PubMed 17960112 (cited by Ambry Genetics); PubMed 25754945 (cited by Ambry Genetics and Illumina Laboratory Services, Illumina); PubMed 31645765 (cited by Ambry Genetics); PubMed 1298292 (cited by Illumina Laboratory Services, Illumina).